The following is an entry in ClinVar:

NM_001131016.2(CIZ1):c.962A>G (p.Gln321Arg)

Gene: CIZ1 (CDKN1A interacting zinc finger protein 1; minus strand). Cytogenetic location: 9q34.11.
Variant type: single nucleotide variant.
Coding change: c.962A>G on transcript NM_001131016.2 (MANE Select); coding-DNA position 962, A replaced by G.
Protein change: p.Gln321Arg; replaces glutamine 321 with arginine.
Molecular consequence: missense variant.
Genome position (GRCh38, 1-based): chr9:128,179,245, T>C on the plus strand (A>G on the coding strand, the complement: CIZ1 is on the minus strand). VCF-style: chr9-128179245-T-C. GRCh37 (hg19) VCF-style: chr9-130941524-T-C.
Other names: c.962A>G, p.Gln321Arg (NM_001131015.2, NM_012127.3); c.947A>G, p.Gln316Arg (NM_001131017.2); c.890A>G, p.Gln297Arg (NM_001131018.2); c.1052A>G, p.Gln351Arg (NM_001257975.2); c.659A>G, p.Gln220Arg (NM_001257976.2); short protein forms Q220R, Q316R, Q351R, Q297R, Q321R.
Identifiers: ClinVar variation 2074742 (VCV002074742.4), dbSNP rs759806019, ClinGen allele CA5257399.

ClinVar aggregate classification (germline): Uncertain significance (1 of 4 stars; one submission).

Conditions:
Dystonic disorder. Also called: Dystonia. Identifiers: MedGen C0013421, MONDO:0003441, HP:0001332.

Allele frequency attached by ClinVar (database versions not stated): ExAC 0.00002; gnomAD 0.00001; TOPMed 0.00001; gnomAD exomes 0.00002.
gnomAD v4.1: 14 of 1,614,068 alleles (0.00087%); highest among the groups gnomAD compares: Admixed American, 0.023%; no homozygotes.

Submission:

Labcorp Genetics (formerly Invitae), Labcorp
Classification: Uncertain significance for Dystonic disorder. Last evaluated: 2022-03-23. Review status: criteria provided, single submitter. Criteria: Invitae Variant Classification Sherloc (09022015). Collection method: clinical testing. Allele origin: germline.
Comment: In summary, the available evidence is currently insufficient to determine the role of this variant in disease. Therefore, it has been classified as a Variant of Uncertain Significance. This sequence change replaces glutamine, which is neutral and polar, with arginine, which is basic and polar, at codon 321 of the CIZ1 protein (p.Gln321Arg). This variant is present in population databases (rs759806019, gnomAD 0.04%), and has an allele count higher than expected for a pathogenic variant. This variant has not been reported in the literature in individuals affected with CIZ1-related conditions. Algorithms developed to predict the effect of missense changes on protein structure and function are either unavailable or do not agree on the potential impact of this missense change (SIFT: "Tolerated"; PolyPhen-2: "Possibly Damaging"; Align-GVGD: "Class C0").